The following is an entry in ClinVar:

ClinVar aggregate classification (germline): Uncertain significance (1 of 4 stars; one submission).

Conditions:
PLXNA3-related disorder. Also called: PLXNA3-related condition.

gnomAD v4.1: 3 of 1,196,531 alleles (0.00025%); highest among the groups gnomAD compares: Admixed American, 0.0023%; no homozygotes.

Submission:

PreventionGenetics, part of Exact Sciences
Classification: Uncertain significance for PLXNA3-related condition. Last evaluated: 2025-03-26. Review status: criteria provided, single submitter. Criteria: ACMG Guidelines, 2015. Collection method: clinical testing. Allele origin: germline.
Comment: The PLXNA3 c.1580C>T variant is predicted to result in the amino acid substitution p.Ser527Phe. To our knowledge, this variant has not been reported in the literature or in a large population database (gnomAD), indicating this variant is rare. At this time, the clinical significance of this variant is uncertain due to the absence of conclusive functional and genetic evidence.

NM_017514.5(PLXNA3):c.1580C>T (p.Ser527Phe)

Gene: PLXNA3 (plexin A3; plus strand). Cytogenetic location: Xq28.
Variant type: single nucleotide variant.
Coding change: c.1580C>T on transcript NM_017514.5 (MANE Select); coding-DNA position 1580, C replaced by T.
Protein change: p.Ser527Phe; replaces serine 527 with phenylalanine.
Molecular consequence: missense variant.
Genome position (GRCh38, 1-based): chrX:154,463,983, C>T. VCF-style: chrX-154463983-C-T. GRCh37 (hg19) VCF-style: chrX-153692326-C-T.
Other names: short protein forms S527F.
Identifiers: ClinVar variation 4982824 (VCV004982824.1).
Genomic context (GRCh38, chrX:154,463,983, plus strand): 5'-GGACCGGCTCTGGCCCGACCCCGTGCAGGTGCTGCCGCGAAGGGGCCTGTCTGGGCGCCT[C>T]TGCCCCACACGGCTTTGCTGAGGAGCTGAGCAAGTGTGTCCAGGTGCGGGTCCGGCCCAA-3'
Protein context (NP_059984.3, residues 517-537): CCREGACLGA[Ser527Phe]APHGFAEELS